The following is an entry in ClinVar:

NM_001448.3(GPC4):c.511C>T (p.Arg171Trp)

Gene: GPC4 (glypican 4; minus strand). Cytogenetic location: Xq26.2.
Variant type: single nucleotide variant.
Coding change: c.511C>T on transcript NM_001448.3 (MANE Select); coding-DNA position 511, C replaced by T.
Protein change: p.Arg171Trp; replaces arginine 171 with tryptophan.
Molecular consequence: missense variant.
Genome position (GRCh38, 1-based): chrX:133,324,345, G>A on the plus strand (C>T on the coding strand, the complement: GPC4 is on the minus strand). VCF-style: chrX-133324345-G-A. GRCh37 (hg19) VCF-style: chrX-132458373-G-A.
Other names: short protein forms R171W.
Identifiers: ClinVar variation 5037179 (VCV005037179.1).
Genomic context (GRCh38, chrX:133,324,345, plus strand): 5'-TCACACATTCCAGATACTCATCTGTAAAGTGGTACTGGGAGTTCACCAGGCGGAACATCC[G>A]CTCCAGGAGGCGAGCCCAGAAGTCATTTAGCATTTCTTCCAGGTTCACATTTCCCACCAC-3'
Protein context (NP_001439.2, residues 161-181): LNDFWARLLE[Arg171Trp]MFRLVNSQYH

ClinVar aggregate classification (germline): Uncertain significance (1 of 4 stars; one submission).

Submission:

GeneDx
Classification: Uncertain significance. Last evaluated: 2026-04-14. Review status: criteria provided, single submitter. Criteria: GeneDx Variant Classification Process June 2021. Collection method: clinical testing. Allele origin: germline.
Comment: Not observed at significant frequency in large population cohorts (gnomAD); In silico analysis supports that this missense variant has a deleterious effect on protein structure/function; Has not been previously published as pathogenic or benign to our knowledge